The following is an entry in ClinVar:

NM_000179.3(MSH6):c.2463dup (p.Leu822fs)

Gene: MSH6 (mutS homolog 6; plus strand). Cytogenetic location: 2p16.3.
Variant type: Duplication.
Coding change: c.2463dup on transcript NM_000179.3 (MANE Select); coding-DNA position 2463, one base duplicated (A; older notation c.2463dupA).
Protein change: p.Leu822fs; shifts the reading frame from leucine 822.
Molecular consequence: frameshift variant.
Genome position (GRCh38, 1-based): chr2:47,800,446, A duplicated. VCF-style (leftmost placement, unchanged base first): chr2-47800445-T-TA. GRCh37 (hg19) VCF-style: chr2-48027584-T-TA.
Other names: c.2073dup, p.Leu692fs (NM_001281492.2); c.1557dup, p.Leu520fs (NM_001281493.2, NM_001281494.2); c.2559dup, p.Leu854Thrfs (NM_001406795.1, NM_001406802.1); c.2463dup, p.Leu822Thrfs (NM_001406796.1, NM_001406798.1, NM_001406800.1 and 2 more transcripts); c.2166dup, p.Leu723Thrfs (NM_001406797.1, NM_001406801.1, NM_001406805.1 and 10 more transcripts); c.1938dup, p.Leu647Thrfs (NM_001406799.1, NM_001406806.1, NM_001406807.1); c.2385dup, p.Leu796Thrfs (NM_001406804.1); c.1557dup, p.Leu520Thrfs (NM_001406811.1, NM_001406812.1, NM_001406814.1 and 4 more transcripts); and 3 more; short protein forms L520fs, L822fs, L692fs.
Identifiers: ClinVar variation 1791663 (VCV001791663.4), dbSNP rs1669467176, ClinGen allele CA2496049511.

ClinVar aggregate classification (germline): Pathogenic. Review status: criteria provided, multiple submitters, no conflicts (2 of 4 stars). 2 submissions from 2 submitters: Pathogenic (2). Last evaluated 2024-12-07.

Conditions:
Hereditary nonpolyposis colorectal neoplasms. Identifiers: MedGen C0009405, MeSH D003123.
Hereditary cancer-predisposing syndrome. Also called: Hereditary Cancer Syndrome; Hereditary neoplastic syndrome; Tumor predisposition; Neoplastic Syndromes, Hereditary. Identifiers: Orphanet 140162, MedGen C0027672, MeSH D009386, MONDO:0015356.

Submissions (2):

Labcorp Genetics (formerly Invitae), Labcorp
Classification: Pathogenic for Hereditary nonpolyposis colorectal neoplasms. Last evaluated: 2024-12-07. Review status: criteria provided, single submitter. Criteria: Invitae Variant Classification Sherloc (09022015). Collection method: clinical testing. Allele origin: germline.
Comment: This sequence change creates a premature translational stop signal (p.Leu822Thrfs*3) in the MSH6 gene. It is expected to result in an absent or disrupted protein product. Loss-of-function variants in MSH6 are known to be pathogenic (PMID: 18269114, 24362816). This variant is not present in population databases (gnomAD no frequency). This variant has not been reported in the literature in individuals affected with MSH6-related conditions. ClinVar contains an entry for this variant (Variation ID: 1791663). For these reasons, this variant has been classified as Pathogenic.

Ambry Genetics
Classification: Pathogenic for Hereditary cancer-predisposing syndrome. Last evaluated: 2020-12-10. Review status: criteria provided, single submitter. Criteria: Ambry Variant Classification Scheme 2023. Collection method: clinical testing. Allele origin: germline.
Comment: The c.2463dupA pathogenic mutation, located in coding exon 4 of the MSH6 gene, results from a duplication of A at nucleotide position 2463, causing a translational frameshift with a predicted alternate stop codon (p.L822Tfs*3). This alteration is expected to result in loss of function by premature protein truncation or nonsense-mediated mRNA decay. As such, this alteration is interpreted as a disease-causing mutation.

Literature cited by the submitters: PubMed 18269114 (cited by Labcorp Genetics (formerly Invitae), Labcorp); PubMed 24362816 (cited by Labcorp Genetics (formerly Invitae), Labcorp).